The following is an entry in ClinVar:

NM_000350.3(ABCA4):c.3051-195C>A

Gene: ABCA4 (ATP binding cassette subfamily A member 4; minus strand). Cytogenetic location: 1p22.1.
Variant type: single nucleotide variant.
Coding change: c.3051-195C>A on transcript NM_000350.3 (MANE Select); 195 bases into the intron before coding-DNA position 3051, C replaced by A.
Molecular consequence: intron variant.
Genome position (GRCh38, 1-based): chr1:94,043,670, G>T on the plus strand (C>A on the coding strand, the complement: ABCA4 is on the minus strand). VCF-style: chr1-94043670-G-T. GRCh37 (hg19) VCF-style: chr1-94509226-G-T.
Identifiers: ClinVar variation 678756 (VCV000678756.2), dbSNP rs4147839, ClinGen allele CA26866734.

ClinVar aggregate classification (germline): Benign. Review status: criteria provided, multiple submitters, no conflicts (2 of 4 stars). 2 submissions from 2 submitters: Benign (2). Last evaluated 2018-06-19.

Allele frequency attached by ClinVar (database versions not stated): gnomAD 0.31799 and 0.32447; TOPMed 0.33358; 1000 Genomes Project 30x 0.41740; 1000 Genomes Project 0.42472.
gnomAD v4.1: 49,215 of 151,924 alleles (32%); highest among the groups gnomAD compares: East Asian, 68%; 8,646 homozygotes.

Submissions (2):

GeneDx
Classification: Benign. Last evaluated: 2018-06-19. Review status: criteria provided, single submitter. Criteria: GeneDx Variant Classification (06012015). Collection method: clinical testing. Allele origin: germline. Affected: yes.
Comment: This variant is considered likely benign or benign based on one or more of the following criteria: it is a conservative change, it occurs at a poorly conserved position in the protein, it is predicted to be benign by multiple in silico algorithms, and/or has population frequency not consistent with disease.

Breakthrough Genomics
Classification: Benign. Review status: criteria provided, single submitter. Criteria: ACMG Guidelines, 2015. Collection method: not provided. Allele origin: germline. Inheritance: Autosomal recessive inheritance. Affected: yes.